The following is an entry in ClinVar:

ClinVar aggregate classification (germline): Uncertain significance. Review status: criteria provided, multiple submitters, no conflicts (2 of 4 stars). 2 submissions from 2 submitters: Uncertain significance (2). Last evaluated 2025-08-03.

Conditions:
Inborn genetic diseases. Identifiers: MedGen C0950123, MeSH D030342.

Allele frequency attached by ClinVar (database versions not stated): ExAC 0.00003; TOPMed 0.00005; gnomAD 0.00006; ESP Exome Variant Server 0.00015.
gnomAD v4.1: 49 of 1,613,380 alleles (0.003%); highest among the groups gnomAD compares: African/African-American, 0.013%; no homozygotes.

Submissions (2):

Ambry Genetics
Classification: Uncertain significance for Inborn genetic diseases. Last evaluated: 2025-08-03. Review status: criteria provided, single submitter. Criteria: Ambry Variant Classification Scheme 2023. Collection method: clinical testing. Allele origin: germline.

Labcorp Genetics (formerly Invitae), Labcorp
Classification: Uncertain significance. Last evaluated: 2023-08-04. Review status: criteria provided, single submitter. Criteria: Invitae Variant Classification Sherloc (09022015). Collection method: clinical testing. Allele origin: germline.
Comment: In summary, the available evidence is currently insufficient to determine the role of this variant in disease. Therefore, it has been classified as a Variant of Uncertain Significance. Advanced modeling of protein sequence and biophysical properties (such as structural, functional, and spatial information, amino acid conservation, physicochemical variation, residue mobility, and thermodynamic stability) performed at Invitae indicates that this missense variant is not expected to disrupt SLCO2A1 protein function. ClinVar contains an entry for this variant (Variation ID: 2187387). This variant has not been reported in the literature in individuals affected with SLCO2A1-related conditions. This variant is present in population databases (rs148949815, gnomAD 0.01%). This sequence change replaces valine, which is neutral and non-polar, with methionine, which is neutral and non-polar, at codon 525 of the SLCO2A1 protein (p.Val525Met).

NM_005630.3(SLCO2A1):c.1573G>A (p.Val525Met)

Gene: SLCO2A1 (solute carrier organic anion transporter family member 2A1; minus strand). Cytogenetic location: 3q22.1.
Variant type: single nucleotide variant.
Coding change: c.1573G>A on transcript NM_005630.3 (MANE Select); coding-DNA position 1573, G replaced by A.
Protein change: p.Val525Met; replaces valine 525 with methionine.
Molecular consequence: missense variant.
Genome position (GRCh38, 1-based): chr3:133,942,657, C>T on the plus strand (G>A on the coding strand, the complement: SLCO2A1 is on the minus strand). VCF-style: chr3-133942657-C-T. GRCh37 (hg19) VCF-style: chr3-133661501-C-T.
Other names: c.1573G>A (NM_005630.2); short protein forms V525M.
Identifiers: ClinVar variation 2187387 (VCV002187387.3), dbSNP rs148949815, ClinGen allele CA2626414.
Genomic context (GRCh38, chr3:133,942,657, plus strand): 5'-CCACTCACCGCAGAACCATCATGTAGAGGGGGTTGTGGGAGATGCAGGCTATCAGGGACA[C>T]GAAGGAGATGAGGAAGATGGCCGGGAGCAGGAAGTGGGCACAGGGGACAGGGCACGATCC-3'
Protein context (NP_005621.2, residues 515-535): LLPAIFLISF[Val525Met]SLIACISHNP